The following is an entry in ClinVar:

ClinVar aggregate classification (germline): Uncertain significance (1 of 4 stars; one submission).

Submission:

Labcorp Genetics (formerly Invitae), Labcorp
Classification: Uncertain significance. Last evaluated: 2022-07-06. Review status: criteria provided, single submitter. Criteria: Invitae Variant Classification Sherloc (09022015). Collection method: clinical testing. Allele origin: germline.
Comment: This sequence change falls in intron 4 of the LAMA1 gene. It does not directly change the encoded amino acid sequence of the LAMA1 protein. It affects a nucleotide within the consensus splice site. This variant is not present in population databases (gnomAD no frequency). This variant has not been reported in the literature in individuals affected with LAMA1-related conditions. ClinVar contains an entry for this variant (Variation ID: 1476413). Variants that disrupt the consensus splice site are a relatively common cause of aberrant splicing (PMID: 17576681, 9536098). Algorithms developed to predict the effect of sequence changes on RNA splicing suggest that this variant may disrupt the consensus splice site. In summary, the available evidence is currently insufficient to determine the role of this variant in disease. Therefore, it has been classified as a Variant of Uncertain Significance.

Literature cited by the submitters: PubMed 17576681; PubMed 9536098.

NM_005559.4(LAMA1):c.588+5G>T

Gene: LAMA1 (laminin subunit alpha 1; minus strand). Cytogenetic location: 18p11.31.
Variant type: single nucleotide variant.
Coding change: c.588+5G>T on transcript NM_005559.4 (MANE Select); 5 bases into the intron after coding-DNA position 588, G replaced by T.
Molecular consequence: intron variant.
Genome position (GRCh38, 1-based): chr18:7,050,689, C>A on the plus strand (G>T on the coding strand, the complement: LAMA1 is on the minus strand). VCF-style: chr18-7050689-C-A. GRCh37 (hg19) VCF-style: chr18-7050688-C-A.
Identifiers: ClinVar variation 1476413 (VCV001476413.6), dbSNP rs752701816, ClinGen allele CA2573155104.